The following is an entry in ClinVar:

NM_033045.4(KRT84):c.211C>T (p.Arg71Trp)

Gene: KRT84 (keratin 84; minus strand). Cytogenetic location: 12q13.13.
Variant type: single nucleotide variant.
Coding change: c.211C>T on transcript NM_033045.4 (MANE Select); coding-DNA position 211, C replaced by T.
Protein change: p.Arg71Trp; replaces arginine 71 with tryptophan.
Molecular consequence: missense variant.
Genome position (GRCh38, 1-based): chr12:52,385,375, G>A on the plus strand (C>T on the coding strand, the complement: KRT84 is on the minus strand). VCF-style: chr12-52385375-G-A. GRCh37 (hg19) VCF-style: chr12-52779159-G-A.
Other names: short protein forms R71W.
Identifiers: ClinVar variation 2643017 (VCV002643017.24), dbSNP rs145217788, ClinGen allele CA6578970.
Genomic context (GRCh38, chr12:52,385,375, plus strand): 5'-TCCCATCACCAAAACCCATCCCACAGCCAGCACCAAAGCGGACTCCACAGTGGATGGGCC[G>A]AGAGCCTACAGCTGCTATCCGGGGTGAGTACGATCCAAAGGTGATGACACTCCGACTACC-3'
Protein context (NP_149034.2, residues 61-81): YSPRIAAVGS[Arg71Trp]PIHCGVRFGA

ClinVar aggregate classification (germline): Likely benign (1 of 4 stars; one submission).

Allele frequency attached by ClinVar (database versions not stated): 1000 Genomes Project 30x 0.00125; ESP Exome Variant Server 0.00185; 1000 Genomes Project 0.00120.

Submission:

CeGaT Center for Human Genetics Tuebingen
Classification: Likely benign. Last evaluated: 2022-11-01. Review status: criteria provided, single submitter. Criteria: CeGaT Center For Human Genetics Tuebingen Variant Classification Criteria Version 2. Collection method: clinical testing. Allele origin: germline. Affected: yes. Observed: 1 variant allele.
Comment: KRT84: BP4, BS2